The following is an entry in ClinVar:

NM_030930.4(UNC93B1):c.1384G>A (p.Glu462Lys)

Gene: UNC93B1 (unc-93B1 regulator of TLR signaling; minus strand). Cytogenetic location: 11q13.2.
Variant type: single nucleotide variant.
Coding change: c.1384G>A on transcript NM_030930.4 (MANE Select); coding-DNA position 1384, G replaced by A.
Protein change: p.Glu462Lys; replaces glutamic acid 462 with lysine.
Molecular consequence: missense variant.
Genome position (GRCh38, 1-based): chr11:67,993,774, C>T on the plus strand (G>A on the coding strand, the complement: UNC93B1 is on the minus strand). VCF-style: chr11-67993774-C-T. GRCh37 (hg19) VCF-style: chr11-67761245-C-T.
Other names: short protein forms E462K.
Identifiers: ClinVar variation 1046230 (VCV001046230.6), dbSNP rs17422120, ClinGen allele CA6145381.

ClinVar aggregate classification (germline): Uncertain significance (1 of 4 stars; one submission).

Conditions:
Encephalopathy, acute, infection-induced (herpes-specific), susceptibility to, 1. Also called: Herpes simplex encephalitis, susceptibility to, 1. Identifiers: Orphanet 1930, MedGen C2750180, MONDO:0024563, OMIM 610551.

Allele frequency attached by ClinVar (database versions not stated): gnomAD 0.00009; gnomAD exomes 0.00003; ExAC 0.00006; TOPMed 0.00005.

Submission:

Labcorp Genetics (formerly Invitae), Labcorp
Classification: Uncertain significance for Encephalopathy, acute, infection-induced (herpes-specific), susceptibility to, 1. Last evaluated: 2022-08-20. Review status: criteria provided, single submitter. Criteria: Invitae Variant Classification Sherloc (09022015). Collection method: clinical testing. Allele origin: germline.
Comment: This sequence change replaces glutamic acid, which is acidic and polar, with lysine, which is basic and polar, at codon 462 of the UNC93B1 protein (p.Glu462Lys). This variant is present in population databases (rs17422120, gnomAD 0.01%). This variant has not been reported in the literature in individuals affected with UNC93B1-related conditions. ClinVar contains an entry for this variant (Variation ID: 1046230). Experimental studies and prediction algorithms are not available or were not evaluated, and the functional significance of this variant is currently unknown. In summary, the available evidence is currently insufficient to determine the role of this variant in disease. Therefore, it has been classified as a Variant of Uncertain Significance.